The following is an entry in ClinVar:

ClinVar aggregate classification (germline): Uncertain significance (1 of 4 stars; one submission).

Allele frequency attached by ClinVar (database versions not stated): gnomAD 0.00001; gnomAD exomes 0.00001.
gnomAD v4.1: 12 of 1,585,794 alleles (0.00076%); highest among the groups gnomAD compares: African/African-American, 0.0014%; no homozygotes.

Submission:

Labcorp Genetics (formerly Invitae), Labcorp
Classification: Uncertain significance. Last evaluated: 2023-10-16. Review status: criteria provided, single submitter. Criteria: Invitae Variant Classification Sherloc (09022015). Collection method: clinical testing. Allele origin: germline.
Comment: This sequence change replaces asparagine, which is neutral and polar, with serine, which is neutral and polar, at codon 243 of the DARS protein (p.Asn243Ser). This variant is present in population databases (no rsID available, gnomAD 0.007%). This variant has not been reported in the literature in individuals affected with DARS-related conditions. ClinVar contains an entry for this variant (Variation ID: 2174772). Advanced modeling of protein sequence and biophysical properties (such as structural, functional, and spatial information, amino acid conservation, physicochemical variation, residue mobility, and thermodynamic stability) performed at Invitae indicates that this missense variant is not expected to disrupt DARS protein function. In summary, the available evidence is currently insufficient to determine the role of this variant in disease. Therefore, it has been classified as a Variant of Uncertain Significance.

NM_001349.4(DARS1):c.728A>G (p.Asn243Ser)

Gene: DARS1 (aspartyl-tRNA synthetase 1; minus strand). Cytogenetic location: 2q21.3.
Variant type: single nucleotide variant.
Coding change: c.728A>G on transcript NM_001349.4 (MANE Select); coding-DNA position 728, A replaced by G.
Protein change: p.Asn243Ser; replaces asparagine 243 with serine.
Molecular consequence: missense variant.
Genome position (GRCh38, 1-based): chr2:135,922,867, T>C on the plus strand (A>G on the coding strand, the complement: DARS1 is on the minus strand). VCF-style: chr2-135922867-T-C. GRCh37 (hg19) VCF-style: chr2-136680437-T-C.
Other names: c.428A>G, p.Asn143Ser (NM_001293312.1); short protein forms N243S, N143S.
Identifiers: ClinVar variation 2174772 (VCV002174772.4), dbSNP rs1226552885, ClinGen allele CA348651451.
Genomic context (GRCh38, chr2:135,922,867, plus strand): 5'-TCAAAATCAGCACAAATGCACATTTGCTTATATAGCTGTGGGGACTGAGCCAGGTATGCA[T>C]TATTTTTAAAATATGACACAGTAAAAACATTGGCTCCTCCTTCACTGGCAGCTGAAAGGT-3'
Protein context (NP_001340.2, residues 233-253): NVFTVSYFKN[Asn243Ser]AYLAQSPQLY